The following is an entry in ClinVar:

NM_004187.5(KDM5C):c.2723GGC[3] (p.Arg909_Gln910insArg)

Gene: KDM5C (lysine demethylase 5C; minus strand). Cytogenetic location: Xp11.22.
Variant type: Microsatellite.
Coding change: c.2723GGC[3] on transcript NM_004187.5 (MANE Select); three copies in a row of the 3-base unit GGC starting at c.2723; the reference has two copies in a row; one copy, 3 bases duplicated.
Protein change: p.Arg909_Gln910insArg.
Molecular consequence: inframe insertion. On other transcripts: non-coding transcript variant (3).
Genome position (GRCh38, 1-based): chrX:53,196,939-53,196,941, GCC duplicated on the plus strand (GGC on the coding strand, the reverse complement: KDM5C is on the minus strand); duplicating any 3 consecutive bases within chrX:53,196,939-53,196,944 gives the same sequence; the position shown is the placement nearest the transcript's 3' end. VCF-style (leftmost placement, unchanged base first): chrX-53196938-T-TGCC. GRCh37 (hg19) VCF-style: chrX-53226120-T-TGCC.
Other names: c.2522GGC[3], p.Arg842_Gln843insArg (NM_001146702.2); c.2720GGC[3], p.Arg908_Gln909insArg (NM_001282622.3, NM_001353979.2, NM_001353982.2); c.2723GGC[3], p.Arg909_Gln910insArg (NM_001353978.3, NM_001353981.2, NM_001353984.2).
Identifiers: ClinVar variation 4803273 (VCV004803273.1).
Genomic context (GRCh38, chrX:53,196,938, plus strand): 5'-CATCGCGCCTGTTCCACCTGCCGCTGGAGCTGCTGGGCCTCAGGCACCTCCACCCCCAGC[T>TGCC]GCCGCCCCCTCTCCAACAGGGACTGCAGTAGCCCTGGACTGGAGGGCAGTGAGGCCAGGG-3'

ClinVar aggregate classification (germline): Uncertain significance (1 of 4 stars; one submission).

Conditions:
Spastic paraplegia. Identifiers: MedGen C0037772, HP:0001258.

Submission:

Labcorp Genetics (formerly Invitae), Labcorp
Classification: Uncertain significance for Spastic paraplegia. Last evaluated: 2025-02-26. Review status: criteria provided, single submitter. Criteria: Invitae Variant Classification Sherloc (09022015). Collection method: clinical testing. Allele origin: germline.
Comment: This variant, c.2726_2728dup, results in the insertion of 1 amino acid(s) of the KDM5C protein (p.Arg909dup), but otherwise preserves the integrity of the reading frame. This variant is not present in population databases (gnomAD no frequency). This variant has not been reported in the literature in individuals affected with KDM5C-related conditions. In summary, the available evidence is currently insufficient to determine the role of this variant in disease. Therefore, it has been classified as a Variant of Uncertain Significance.